The following is an entry in ClinVar:

NM_001035.3(RYR2):c.7600C>G (p.Leu2534Val)

Gene: RYR2 (ryanodine receptor 2; plus strand). Cytogenetic location: 1q43.
Variant type: single nucleotide variant.
Coding change: c.7600C>G on transcript NM_001035.3 (MANE Select); coding-DNA position 7600, C replaced by G.
Protein change: p.Leu2534Val; replaces leucine 2534 with valine.
Molecular consequence: missense variant.
Genome position (GRCh38, 1-based): chr1:237,649,964, C>G. VCF-style: chr1-237649964-C-G. GRCh37 (hg19) VCF-style: chr1-237813264-C-G.
Other names: c.7600C>G, p.Leu2534Val (LRG_402t1); short protein forms L2534V.
Identifiers: ClinVar variation 532367 (VCV000532367.10), dbSNP rs1553268221, ClinGen allele CA345399162.
Genomic context (GRCh38, chr1:237,649,964, plus strand): 5'-TTGGCCCTCAATCGGTACCTTTGCACAGCCGTCTTGCCATTGTTAACAAGATGTGCTCCT[C>G]TCTTTGCTGGCACAGAGCACCACGCTTCTCTCATTGACTCATTACTTCATACTGTGTATA-3'
Protein context (NP_001026.2, residues 2524-2544): VLPLLTRCAP[Leu2534Val]FAGTEHHASL

ClinVar aggregate classification (germline): Uncertain significance (1 of 4 stars; one submission).

Conditions:
Catecholaminergic polymorphic ventricular tachycardia 1. Also called: VENTRICULAR TACHYCARDIA, CATECHOLAMINERGIC POLYMORPHIC, 1, WITH OR WITHOUT ATRIAL DYSFUNCTION AND/OR DILATED CARDIOMYOPATHY; RYR2-Related Catecholaminergic Polymorphic Ventricular Tachycardia; VENTRICULAR TACHYCARDIA, STRESS-INDUCED POLYMORPHIC 1. Identifiers: Orphanet 3286, MedGen C1631597, MONDO:0011484, OMIM 604772.

Submission:

Labcorp Genetics (formerly Invitae), Labcorp
Classification: Uncertain significance for Catecholaminergic polymorphic ventricular tachycardia 1. Last evaluated: 2017-12-02. Review status: criteria provided, single submitter. Criteria: Invitae Variant Classification Sherloc (09022015). Collection method: clinical testing. Allele origin: germline.
Comment: In summary, the available evidence is currently insufficient to determine the role of this variant in disease. Therefore, it has been classified as a Variant of Uncertain Significance. Algorithms developed to predict the effect of missense changes on protein structure and function (SIFT, PolyPhen-2, Align-GVGD) all suggest that this variant is likely to be disruptive, but these predictions have not been confirmed by published functional studies and their clinical significance is uncertain. This variant has been reported in an individual affected with catecholaminergic polymorphic ventricular tachycardia (CPVT) (PMID: 15175054). This variant is not present in population databases (ExAC no frequency). This sequence change replaces leucine with valine at codon 2534 of the RYR2 protein (p.Leu2534Val). The leucine residue is highly conserved and there is a small physicochemical difference between leucine and valine.

Literature cited by the submitters: PubMed 15175054.